The following is an entry in ClinVar:

NM_001128840.3(CACNA1D):c.5611T>C (p.Tyr1871His)

Gene: CACNA1D (calcium voltage-gated channel subunit alpha1 D; plus strand). Cytogenetic location: 3p21.1.
Variant type: single nucleotide variant.
Coding change: c.5611T>C on transcript NM_001128840.3 (MANE Select); coding-DNA position 5611, T replaced by C.
Protein change: p.Tyr1871His; replaces tyrosine 1871 with histidine.
Molecular consequence: missense variant.
Genome position (GRCh38, 1-based): chr3:53,805,008, T>C. VCF-style: chr3-53805008-T-C. GRCh37 (hg19) VCF-style: chr3-53839035-T-C.
Other names: c.5671T>C, p.Tyr1891His (NM_000720.4); c.5539T>C, p.Tyr1847His (NM_001128839.3); c.5671T>C (NM_000720.2); short protein forms Y1871H, Y1847H, Y1891H.
Identifiers: ClinVar variation 1474562 (VCV001474562.9), dbSNP rs756330247, ClinGen allele CA2455204.

ClinVar aggregate classification (germline): Uncertain significance. Review status: criteria provided, multiple submitters, no conflicts (2 of 4 stars). 2 submissions from 2 submitters: Uncertain significance (2). Last evaluated 2025-07-27.

Allele frequency attached by ClinVar (database versions not stated): gnomAD exomes below 0.00001 and 0.00001; ExAC 0.00002.
gnomAD v4.1: 3 of 1,614,124 alleles (0.00019%); highest among the groups gnomAD compares: South Asian, 0.0011%; no homozygotes.

Submissions (2):

GeneDx
Classification: Uncertain significance. Last evaluated: 2025-07-27. Review status: criteria provided, single submitter. Criteria: GeneDx Variant Classification Process June 2021. Collection method: clinical testing. Allele origin: germline. Affected: yes.
Comment: In silico analysis suggests that this missense variant does not alter protein structure/function; Has not been previously published as pathogenic or benign to our knowledge

Labcorp Genetics (formerly Invitae), Labcorp
Classification: Uncertain significance. Last evaluated: 2025-04-17. Review status: criteria provided, single submitter. Criteria: Invitae Variant Classification Sherloc (09022015). Collection method: clinical testing. Allele origin: germline.
Comment: This sequence change replaces tyrosine, which is neutral and polar, with histidine, which is basic and polar, at codon 1891 of the CACNA1D protein (p.Tyr1891His). This variant is present in population databases (rs756330247, gnomAD 0.003%). This variant has not been reported in the literature in individuals affected with CACNA1D-related conditions. ClinVar contains an entry for this variant (Variation ID: 1474562). An algorithm developed to predict the effect of missense changes on protein structure and function outputs the following: PolyPhen-2: "Benign". The histidine amino acid residue is found in multiple mammalian species, which suggests that this missense change does not adversely affect protein function. In summary, the available evidence is currently insufficient to determine the role of this variant in disease. Therefore, it has been classified as a Variant of Uncertain Significance.